The following is an entry in ClinVar:

ClinVar aggregate classification (germline): Benign/Likely benign. Review status: criteria provided, multiple submitters, no conflicts (2 of 4 stars). 8 submissions from 8 submitters: Benign (4); Likely benign (1). 3 of the submissions do not count toward it. Last evaluated 2026-02-04.

Conditions:
Treacher Collins syndrome 1 (TCS1). Also called: TCOF1-Related Treacher Collins Syndrome. Identifiers: Orphanet 861, MedGen CN315775, MONDO:0007944, OMIM 154500.

Allele frequency attached by ClinVar (database versions not stated): TOPMed 0.20754; ESP Exome Variant Server 0.21029; gnomAD 0.21165 and 0.21812; 1000 Genomes Project 30x 0.21783; 1000 Genomes Project 0.22404; gnomAD exomes 0.25920 and 0.26823; ExAC 0.29218.
gnomAD v4.1: 424,591 of 1,610,116 alleles (26%); highest among the groups gnomAD compares: South Asian, 36%; 58,602 homozygotes.

Submissions (19):

Labcorp Genetics (formerly Invitae), Labcorp
Classification: Benign for Treacher Collins syndrome 1. Last evaluated: 2026-02-04. Review status: criteria provided, single submitter. Criteria: Invitae Variant Classification Sherloc (09022015). Collection method: clinical testing. Allele origin: germline.

Blueprint Genetics
Classification: Likely benign. Last evaluated: 2024-11-26. Review status: criteria provided, single submitter. Criteria: ACMG Guidelines, 2015. Collection method: clinical testing. Allele origin: germline.

Mayo Clinic Laboratories, Mayo Clinic
Classification: Benign. Last evaluated: 2020-07-02. Review status: criteria provided, single submitter. Criteria: ACMG Guidelines, 2015. Collection method: clinical testing. Allele origin: germline. Observed: 68 variant alleles.

GeneDx
Classification: Benign. Last evaluated: 2015-03-03. Review status: criteria provided, single submitter. Criteria: GeneDx Variant Classification Process June 2021. Collection method: clinical testing. Allele origin: germline. Affected: yes.

PreventionGenetics, part of Exact Sciences
Classification: Benign. Review status: criteria provided, single submitter. Criteria: ACMG Guidelines, 2015. Collection method: clinical testing. Allele origin: germline.

Diagnostic Laboratory, Department of Genetics, University Medical Center Groningen
Classification: Benign. Review status: no assertion criteria provided. Collection method: clinical testing. Allele origin: germline. Affected: yes. Study: VKGL Data-share Consensus. Not counted in ClinVar's aggregate classification.

Dr. Peter K. Rogan Lab, Western University
No classification provided (evidence only). Condition: Malignant lymphoma, large B-cell, diffuse. Review status: no classification provided. Collection method: in vitro. Allele origin: not applicable. Functional consequence: skipped exon, retained intron. Not counted in ClinVar's aggregate classification.

Dr. Peter K. Rogan Lab, Western University
No classification provided (evidence only). Condition: Malignant lymphoma, large B-cell, diffuse. Review status: no classification provided. Collection method: in vitro. Allele origin: not applicable. Functional consequence: retained intron. Not counted in ClinVar's aggregate classification.

Dr. Peter K. Rogan Lab, Western University
No classification provided (evidence only). Condition: Malignant lymphoma, large B-cell, diffuse. Review status: no classification provided. Collection method: in vitro. Allele origin: not applicable. Functional consequence: retained intron. Not counted in ClinVar's aggregate classification.

Dr. Peter K. Rogan Lab, Western University
No classification provided (evidence only). Condition: Malignant lymphoma, large B-cell, diffuse. Review status: no classification provided. Collection method: in vitro. Allele origin: not applicable. Functional consequence: retained intron. Not counted in ClinVar's aggregate classification.

Dr. Peter K. Rogan Lab, Western University
No classification provided (evidence only). Condition: Malignant lymphoma, large B-cell, diffuse. Review status: no classification provided. Collection method: in vitro. Allele origin: not applicable. Functional consequence: retained intron. Not counted in ClinVar's aggregate classification.

Dr. Peter K. Rogan Lab, Western University
No classification provided (evidence only). Condition: Malignant lymphoma, large B-cell, diffuse. Review status: no classification provided. Collection method: in vitro. Allele origin: not applicable. Functional consequence: retained intron. Not counted in ClinVar's aggregate classification.

Dr. Peter K. Rogan Lab, Western University
No classification provided (evidence only). Condition: Uterine carcinosarcoma. Review status: no classification provided. Collection method: in vitro. Allele origin: not applicable. Functional consequence: retained intron. Not counted in ClinVar's aggregate classification.

Dr. Peter K. Rogan Lab, Western University
No classification provided (evidence only). Condition: Uterine carcinosarcoma. Review status: no classification provided. Collection method: in vitro. Allele origin: not applicable. Functional consequence: retained intron. Not counted in ClinVar's aggregate classification.

Dr. Peter K. Rogan Lab, Western University
No classification provided (evidence only). Condition: Uterine carcinosarcoma. Review status: no classification provided. Collection method: in vitro. Allele origin: not applicable. Functional consequence: skipped exon, retained intron. Not counted in ClinVar's aggregate classification.

Dr. Peter K. Rogan Lab, Western University
No classification provided (evidence only). Condition: Uterine carcinosarcoma. Review status: no classification provided. Collection method: in vitro. Allele origin: not applicable. Functional consequence: skipped exon, retained intron. Not counted in ClinVar's aggregate classification.

Dr. Peter K. Rogan Lab, Western University
No classification provided (evidence only). Condition: Uterine carcinosarcoma. Review status: no classification provided. Collection method: in vitro. Allele origin: not applicable. Functional consequence: retained intron. Not counted in ClinVar's aggregate classification.

Genetic Services Laboratory, University of Chicago
Classification: Likely benign for AllHighlyPenetrant. Review status: no assertion criteria provided. Collection method: clinical testing. Allele origin: germline. Inheritance: Autosomal dominant inheritance. Not counted in ClinVar's aggregate classification.
Comment: Likely benign based on allele frequency in 1000 Genomes Project or ESP global frequency and its presence in a patient with a rare or unrelated disease phenotype. NOT Sanger confirmed.

Joint Genome Diagnostic Labs from Nijmegen and Maastricht, Radboudumc and MUMC+
Classification: Benign. Review status: no assertion criteria provided. Collection method: clinical testing. Allele origin: germline. Affected: yes. Study: VKGL Data-share Consensus. Not counted in ClinVar's aggregate classification.

NM_001371623.1(TCOF1):c.4172C>T (p.Ala1391Val)

Gene: TCOF1 (treacle ribosome biogenesis factor 1; plus strand). Cytogenetic location: 5q32.
Variant type: single nucleotide variant.
Coding change: c.4172C>T on transcript NM_001371623.1 (MANE Select); coding-DNA position 4172, C replaced by T.
Protein change: p.Ala1391Val; replaces alanine 1391 with valine.
Molecular consequence: missense variant.
Genome position (GRCh38, 1-based): chr5:150,396,669, C>T. VCF-style: chr5-150396669-C-T. GRCh37 (hg19) VCF-style: chr5-149776232-C-T.
Other names: c.3938C>T, p.Ala1313Val (NM_000356.4); c.4169C>T, p.Ala1390Val (NM_001135243.2); c.4058C>T, p.Ala1353Val (NM_001135244.2); c.3941C>T, p.Ala1314Val (NM_001135245.2); c.4055C>T, p.Ala1352Val (NM_001195141.2); short protein forms A1313V, A1390V, A1314V, A1352V, A1353V, A1391V.
Identifiers: ClinVar variation 130574 (VCV000130574.25), dbSNP rs15251, ClinGen allele CA155689.